The following is an entry in ClinVar:

NM_000059.4(BRCA2):c.6754T>C (p.Ser2252Pro)

Gene: BRCA2 (BRCA2 DNA repair associated; plus strand). Cytogenetic location: 13q13.1.
Variant type: single nucleotide variant.
Coding change: c.6754T>C on transcript NM_000059.4 (MANE Select); coding-DNA position 6754, T replaced by C.
Protein change: p.Ser2252Pro; replaces serine 2252 with proline.
Molecular consequence: missense variant. On other transcripts: non-coding transcript variant (1), intron variant (2).
Genome position (GRCh38, 1-based): chr13:32,341,109, T>C. VCF-style: chr13-32341109-T-C. GRCh37 (hg19) VCF-style: chr13-32915246-T-C.
Other names: c.6754T>C, p.Ser2252Pro (NM_001406719.1, NM_001406720.1); c.1910-3449T>C (NM_001406721.1); c.425-3449T>C (NM_001406722.1); short protein forms S2252P.
Identifiers: ClinVar variation 2576934 (VCV002576934.2), dbSNP rs2072564641, ClinGen allele CA387791155.

ClinVar aggregate classification (germline): Uncertain significance. Review status: criteria provided, multiple submitters, no conflicts (2 of 4 stars). 2 submissions from 2 submitters: Uncertain significance (2). Last evaluated 2025-06-06.

Conditions:
Hereditary cancer-predisposing syndrome. Also called: Tumor predisposition; Hereditary neoplastic syndrome; Neoplastic Syndromes, Hereditary; Hereditary Cancer Syndrome. Identifiers: Orphanet 140162, MedGen C0027672, MeSH D009386, MONDO:0015356.

Allele frequency attached by ClinVar (database versions not stated): gnomAD 0.00001.
gnomAD v4.1: 1 of 1,613,794 alleles (0.000062%); highest among the groups gnomAD compares: African/African-American, 0.0013%; no homozygotes.

Submissions (2):

Ambry Genetics
Classification: Uncertain significance for Hereditary cancer-predisposing syndrome. Last evaluated: 2025-06-06. Review status: criteria provided, single submitter. Criteria: Ambry Variant Classification Scheme 2023. Collection method: clinical testing. Allele origin: germline.
Comment: The p.S2252P variant (also known as c.6754T>C), located in coding exon 10 of the BRCA2 gene, results from a T to C substitution at nucleotide position 6754. The serine at codon 2252 is replaced by proline, an amino acid with similar properties. This amino acid position is not well conserved in available vertebrate species. In addition, the in silico prediction for this alteration is inconclusive. Based on the available evidence, the clinical significance of this variant remains unclear.

GeneDx
Classification: Uncertain significance. Last evaluated: 2023-02-21. Review status: criteria provided, single submitter. Criteria: GeneDx Variant Classification Process June 2021. Collection method: clinical testing. Allele origin: germline. Affected: yes.
Comment: Not observed at significant frequency in large population cohorts (gnomAD); In silico analysis supports that this missense variant does not alter protein structure/function; Has not been previously published as pathogenic or benign to our knowledge; Also known as 6982T>C; This variant is associated with the following publications: (PMID: 29884841)